The following is an entry in ClinVar:

NM_130837.3(OPA1):c.844-279G>A

Gene: OPA1 (OPA1 mitochondrial dynamin like GTPase; plus strand). Cytogenetic location: 3q29.
Variant type: single nucleotide variant.
Coding change: c.844-279G>A on transcript NM_130837.3 (MANE Select); 279 bases into the intron before coding-DNA position 844, G replaced by A.
Molecular consequence: intron variant.
Genome position (GRCh38, 1-based): chr3:193,635,139, G>A. VCF-style: chr3-193635139-G-A. GRCh37 (hg19) VCF-style: chr3-193352928-G-A.
Other names: c.307-279G>A (NM_001354664.2); c.310-279G>A (NM_001354663.2); c.733-279G>A (NM_130834.3); c.790-279G>A (NM_130836.3); c.679-279G>A (NM_015560.3); c.736-279G>A (NM_130835.3); c.625-279G>A (NM_130832.3); c.682-279G>A (NM_130833.3); and 1 more.
Identifiers: ClinVar variation 673745 (VCV000673745.1), dbSNP rs3736197, ClinGen allele CA90525211.
Genomic context (GRCh38, chr3:193,635,139, plus strand): 5'-ATATAATAGGAAATACTCCCTTCTAGAATGTATTTAAGAACTACTTCTTTAAATTCTTAC[G>A]TTTTCACTATTTCAAAATAATTTTTTCAATGTGAGTAGCAAGGAATTTTCCAAGTGAAAT-3'

ClinVar aggregate classification (germline): Likely benign (1 of 4 stars; one submission).

Allele frequency attached by ClinVar (database versions not stated): 1000 Genomes Project 0.02696; TOPMed 0.02842; 1000 Genomes Project 30x 0.02983; gnomAD 0.03005 and 0.03062.
gnomAD v4.1: 4,585 of 152,116 alleles (3%); highest among the groups gnomAD compares: African/African-American, 3.5%; 65 homozygotes.

Submission:

GeneDx
Classification: Likely benign. Last evaluated: 2018-06-16. Review status: criteria provided, single submitter. Criteria: GeneDx Variant Classification (06012015). Collection method: clinical testing. Allele origin: germline. Affected: yes.
Comment: This variant is considered likely benign or benign based on one or more of the following criteria: it is a conservative change, it occurs at a poorly conserved position in the protein, it is predicted to be benign by multiple in silico algorithms, and/or has population frequency not consistent with disease.